The following is an entry in ClinVar:

NM_000553.6(WRN):c.721A>G (p.Lys241Glu)

Gene: WRN (WRN RecQ like helicase; plus strand). Cytogenetic location: 8p12.
Variant type: single nucleotide variant.
Coding change: c.721A>G on transcript NM_000553.6 (MANE Select); coding-DNA position 721, A replaced by G.
Protein change: p.Lys241Glu; replaces lysine 241 with glutamic acid.
Molecular consequence: missense variant.
Genome position (GRCh38, 1-based): chr8:31,068,324, A>G. VCF-style: chr8-31068324-A-G. GRCh37 (hg19) VCF-style: chr8-30925840-A-G.
Other names: short protein forms K241E.
Identifiers: ClinVar variation 1061881 (VCV001061881.3), dbSNP rs1812786248, ClinGen allele CA370917201.
Genomic context (GRCh38, chr8:31,068,324, plus strand): 5'-TTTATTATTTACCGAAATTTAGAGATTTTGGATGATACTGTGCAAAGGTTTGCTATAAAT[A>G]AAGGTATGTTAAGATCCATAAATAAAATGTGAATTCACTCTTTTGTGAGGTTTATCTCCA-3'
Protein context (NP_000544.2, residues 231-251): DDTVQRFAIN[Lys241Glu]EEEILLSDMN

ClinVar aggregate classification (germline): Uncertain significance (1 of 4 stars; one submission).

Conditions:
Werner syndrome (WRN). Identifiers: Orphanet 902, MedGen C0043119, MONDO:0010196, OMIM 277700.

Submission:

Labcorp Genetics (formerly Invitae), Labcorp
Classification: Uncertain significance for Werner syndrome. Last evaluated: 2025-11-17. Review status: criteria provided, single submitter. Criteria: Invitae Variant Classification Sherloc (09022015). Collection method: clinical testing. Allele origin: germline.
Comment: This sequence change replaces lysine, which is basic and polar, with glutamic acid, which is acidic and polar, at codon 241 of the WRN protein (p.Lys241Glu). This variant is not present in population databases (gnomAD no frequency). This variant has not been reported in the literature in individuals affected with WRN-related conditions. ClinVar contains an entry for this variant (Variation ID: 1061881). An algorithm developed to predict the effect of missense changes on protein structure and function outputs the following: PolyPhen-2: "Benign". The glutamic acid amino acid residue is found in multiple mammalian species, which suggests that this missense change does not adversely affect protein function. In summary, the available evidence is currently insufficient to determine the role of this variant in disease. Therefore, it has been classified as a Variant of Uncertain Significance.